The following is an entry in ClinVar:

NM_006231.4(POLE):c.5663A>C (p.Glu1888Ala)

Gene: POLE (DNA polymerase epsilon, catalytic subunit; minus strand). Cytogenetic location: 12q24.33.
Variant type: single nucleotide variant.
Coding change: c.5663A>C on transcript NM_006231.4 (MANE Select); coding-DNA position 5663, A replaced by C.
Protein change: p.Glu1888Ala; replaces glutamic acid 1888 with alanine.
Molecular consequence: missense variant.
Genome position (GRCh38, 1-based): chr12:132,638,029, T>G on the plus strand (A>C on the coding strand, the complement: POLE is on the minus strand). VCF-style: chr12-132638029-T-G. GRCh37 (hg19) VCF-style: chr12-133214615-T-G.
Other names: c.5663A>C (NM_006231.2); short protein forms E1888A.
Identifiers: ClinVar variation 1040509 (VCV001040509.10), dbSNP rs2042068516, ClinGen allele CA387373939.

ClinVar aggregate classification (germline): Uncertain significance. Review status: criteria provided, multiple submitters, no conflicts (2 of 4 stars). 2 submissions from 2 submitters: Uncertain significance (2). Last evaluated 2025-09-20.

Conditions:
Hereditary cancer-predisposing syndrome. Also called: Hereditary Cancer Syndrome; Tumor predisposition; Hereditary neoplastic syndrome; Neoplastic Syndromes, Hereditary. Identifiers: Orphanet 140162, MedGen C0027672, MeSH D009386, MONDO:0015356.

Allele frequency attached by ClinVar (database versions not stated): TOPMed below 0.00001.

Submissions (2):

Ambry Genetics
Classification: Uncertain significance for Hereditary cancer-predisposing syndrome. Last evaluated: 2025-09-20. Review status: criteria provided, single submitter. Criteria: Ambry Variant Classification Scheme 2023. Collection method: clinical testing. Allele origin: germline.
Comment: The p.E1888A variant (also known as c.5663A>C), located in coding exon 41 of the POLE gene, results from an A to C substitution at nucleotide position 5663. The glutamic acid at codon 1888 is replaced by alanine, an amino acid with dissimilar properties. This amino acid position is conserved. In addition, this alteration is predicted to be tolerated by in silico analysis. Based on the available evidence, the clinical significance of this variant remains unclear.

Labcorp Genetics (formerly Invitae), Labcorp
Classification: Uncertain significance. Last evaluated: 2020-01-22. Review status: criteria provided, single submitter. Criteria: Invitae Variant Classification Sherloc (09022015). Collection method: clinical testing. Allele origin: germline.
Comment: This sequence change replaces glutamic acid with alanine at codon 1888 of the POLE protein (p.Glu1888Ala). The glutamic acid residue is moderately conserved and there is a moderate physicochemical difference between glutamic acid and alanine. This variant is not present in population databases (ExAC no frequency). This variant has not been reported in the literature in individuals with POLE-related conditions. Algorithms developed to predict the effect of missense changes on protein structure and function are either unavailable or do not agree on the potential impact of this missense change (SIFT: "Deleterious"; PolyPhen-2: "Benign"; Align-GVGD: "Class C15"). In summary, the available evidence is currently insufficient to determine the role of this variant in disease. Therefore, it has been classified as a Variant of Uncertain Significance.